The following is an entry in ClinVar:

ClinVar aggregate classification (germline): Uncertain significance. Review status: criteria provided, multiple submitters, no conflicts (2 of 4 stars). 3 submissions from 3 submitters: Uncertain significance (3). Last evaluated 2026-01-27.

Conditions:
Cardiovascular phenotype. Identifiers: MedGen CN230736.

Allele frequency attached by ClinVar (database versions not stated): TOPMed 0.00001; gnomAD 0.00002.
gnomAD v4.1: 26 of 1,502,174 alleles (0.0017%); highest among the groups gnomAD compares: Non-Finnish European, 0.0023%; no homozygotes.

Submissions (3):

Women's Health and Genetics/Laboratory Corporation of America, LabCorp
Classification: Uncertain significance. Last evaluated: 2026-01-27. Review status: criteria provided, single submitter. Criteria: LabCorp Variant Classification Summary - May 2015. Collection method: clinical testing. Allele origin: germline.
Comment: Variant summary: ZNF469 c.3147G>C (p.Glu1049Asp) results in a conservative amino acid change in the encoded protein sequence. Algorithms developed to predict the effect of missense changes on protein structure and function all suggest that this variant is likely to be tolerated. The variant allele was found at a frequency of 2e-05 in 102490 control chromosomes. The available data on variant occurrences in the general population are insufficient to allow any conclusion about variant significance. To our knowledge, no occurrence of c.3147G>C in individuals affected with ZNF469-related conditions and no experimental evidence demonstrating its impact on protein function have been reported. ClinVar contains an entry for this variant (Variation ID: 1728137). Based on the evidence outlined above, the variant was classified as uncertain significance.

Ambry Genetics
Classification: Uncertain significance for Cardiovascular phenotype. Last evaluated: 2023-02-23. Review status: criteria provided, single submitter. Criteria: Ambry Variant Classification Scheme 2023. Collection method: clinical testing. Allele origin: germline.
Comment: The p.E1049D variant (also known as c.3147G>C), located in coding exon 1 of the ZNF469 gene, results from a G to C substitution at nucleotide position 3147. The glutamic acid at codon 1049 is replaced by aspartic acid, an amino acid with highly similar properties. This amino acid position is well conserved in available vertebrate species. In addition, this alteration is predicted to be tolerated by in silico analysis. Since supporting evidence is limited at this time, the clinical significance of this alteration remains unclear.

Labcorp Genetics (formerly Invitae), Labcorp
Classification: Uncertain significance. Last evaluated: 2022-09-01. Review status: criteria provided, single submitter. Criteria: Invitae Variant Classification Sherloc (09022015). Collection method: clinical testing. Allele origin: germline.
Comment: This sequence change replaces glutamic acid, which is acidic and polar, with aspartic acid, which is acidic and polar, at codon 1049 of the ZNF469 protein (p.Glu1049Asp). This variant is present in population databases (no rsID available, gnomAD 0.003%). This variant has not been reported in the literature in individuals affected with ZNF469-related conditions. Algorithms developed to predict the effect of missense changes on protein structure and function are either unavailable or do not agree on the potential impact of this missense change (SIFT: "Deleterious"; PolyPhen-2: "Possibly Damaging"; Align-GVGD: "Class C0"). In summary, the available evidence is currently insufficient to determine the role of this variant in disease. Therefore, it has been classified as a Variant of Uncertain Significance.

NM_001367624.2(ZNF469):c.3147G>C (p.Glu1049Asp)

Genes: ZNF469 (zinc finger protein 469; plus strand), LOC130059718 (ATAC-STARR-seq lymphoblastoid silent region 7847; plus strand). Cytogenetic location: 16q24.2.
Variant type: single nucleotide variant.
Coding change: c.3147G>C on transcript NM_001367624.2 (MANE Select); coding-DNA position 3147, G replaced by C.
Protein change: p.Glu1049Asp; replaces glutamic acid 1049 with aspartic acid.
Molecular consequence: missense variant.
Genome position (GRCh38, 1-based): chr16:88,430,617, G>C. VCF-style: chr16-88430617-G-C. GRCh37 (hg19) VCF-style: chr16-88497025-G-C.
Other names: NM_001127464.1:c.3147G>C; short protein forms E1049D.
Identifiers: ClinVar variation 1728137 (VCV001728137.6), dbSNP rs1400185350, ClinGen allele CA397077942.